The following is an entry in ClinVar:

ClinVar aggregate classification (germline): Uncertain significance (1 of 4 stars; one submission).

Conditions:
Emery-Dreifuss muscular dystrophy 5, autosomal dominant (EDMD5). Also called: EMERY-DREIFUSS MUSCULAR DYSTROPHY 5. Identifiers: Orphanet 261, MedGen C2751805, MONDO:0013072, OMIM 612999.

Allele frequency attached by ClinVar (database versions not stated): gnomAD exomes below 0.00001; ExAC 0.00001.
gnomAD v4.1: 3 of 1,613,932 alleles (0.00019%); highest among the groups gnomAD compares: Non-Finnish European, 0.00025%; no homozygotes.

Submission:

Labcorp Genetics (formerly Invitae), Labcorp
Classification: Uncertain significance for Emery-Dreifuss muscular dystrophy 5, autosomal dominant. Last evaluated: 2022-07-26. Review status: criteria provided, single submitter. Criteria: Invitae Variant Classification Sherloc (09022015). Collection method: clinical testing. Allele origin: germline.
Comment: ClinVar contains an entry for this variant (Variation ID: 1015124). In summary, the available evidence is currently insufficient to determine the role of this variant in disease. Therefore, it has been classified as a Variant of Uncertain Significance. Algorithms developed to predict the effect of missense changes on protein structure and function are either unavailable or do not agree on the potential impact of this missense change (SIFT: "Deleterious"; PolyPhen-2: "Probably Damaging"; Align-GVGD: "Class C0"). This variant has not been reported in the literature in individuals affected with SYNE2-related conditions. This variant is present in population databases (rs752738016, gnomAD 0.0009%). This sequence change replaces isoleucine, which is neutral and non-polar, with threonine, which is neutral and polar, at codon 3933 of the SYNE2 protein (p.Ile3933Thr).

NM_182914.3(SYNE2):c.11798T>C (p.Ile3933Thr)

Gene: SYNE2 (spectrin repeat containing nuclear envelope protein 2; plus strand). Cytogenetic location: 14q23.2.
Variant type: single nucleotide variant.
Coding change: c.11798T>C on transcript NM_182914.3 (MANE Select); coding-DNA position 11798, T replaced by C.
Protein change: p.Ile3933Thr; replaces isoleucine 3933 with threonine.
Molecular consequence: missense variant.
Genome position (GRCh38, 1-based): chr14:64,090,870, T>C. VCF-style: chr14-64090870-T-C. GRCh37 (hg19) VCF-style: chr14-64557588-T-C.
Other names: c.11798T>C, p.Ile3933Thr (NM_015180.6); short protein forms I3933T.
Identifiers: ClinVar variation 1015124 (VCV001015124.10), dbSNP rs752738016, ClinGen allele CA7221928.